The following is an entry in ClinVar:

ClinVar aggregate classification (germline): Conflicting classifications of pathogenicity. Review status: criteria provided, conflicting classifications (1 of 4 stars). 4 submissions from 4 submitters: Likely pathogenic (1); Uncertain significance (3). Last evaluated 2025-07-14.

Conditions:
Joubert syndrome. Also called: Familial aplasia of the vermis; JOUBERT-BOLTSHAUSER SYNDROME. Identifiers: Orphanet 475, MedGen C5979921, MONDO:0018772.

Allele frequency attached by ClinVar (database versions not stated): TOPMed below 0.00001; ExAC 0.00001; gnomAD 0.00001; gnomAD exomes 0.00001 and 0.00002.
gnomAD v4.1: 17 of 1,598,754 alleles (0.0011%); highest among the groups gnomAD compares: East Asian, 0.0045%; no homozygotes.

Submissions (4):

GeneDx
Classification: Uncertain significance. Last evaluated: 2025-07-14. Review status: criteria provided, single submitter. Criteria: GeneDx Variant Classification Process June 2021. Collection method: clinical testing. Allele origin: germline. Affected: yes.
Comment: Not observed at significant frequency in large population cohorts (gnomAD); In silico analysis supports a deleterious effect on splicing; Has not been previously published as pathogenic or benign to our knowledge

Labcorp Genetics (formerly Invitae), Labcorp
Classification: Uncertain significance for Joubert syndrome. Last evaluated: 2024-07-01. Review status: criteria provided, single submitter. Criteria: Invitae Variant Classification Sherloc (09022015). Collection method: clinical testing. Allele origin: germline.
Comment: This sequence change affects codon 555 of the INPP5E mRNA. It is a 'silent' change, meaning that it does not change the encoded amino acid sequence of the INPP5E protein. This variant also falls at the last nucleotide of exon 8, which is part of the consensus splice site for this exon. This variant is present in population databases (rs774331779, gnomAD 0.006%). This variant has been observed in individual(s) with retinitis pigmentosa (Invitae). In at least one individual the data is consistent with being in trans (on the opposite chromosome) from a pathogenic variant. ClinVar contains an entry for this variant (Variation ID: 810475). Variants that disrupt the consensus splice site are a relatively common cause of aberrant splicing (PMID: 17576681, 9536098). Algorithms developed to predict the effect of sequence changes on RNA splicing suggest that this variant may disrupt the consensus splice site. In summary, the available evidence is currently insufficient to determine the role of this variant in disease. Therefore, it has been classified as a Variant of Uncertain Significance.

Blueprint Genetics
Classification: Uncertain significance. Last evaluated: 2018-11-28. Review status: criteria provided, single submitter. Criteria: ACMG Guidelines, 2015. Collection method: clinical testing. Allele origin: germline.

CeGaT Center for Human Genetics Tuebingen
Classification: Likely pathogenic. Last evaluated: 2018-03-01. Review status: criteria provided, single submitter. Criteria: CeGaT Center For Human Genetics Tuebingen Variant Classification Criteria Version 2. Collection method: clinical testing. Allele origin: germline. Affected: yes. Observed: 1 variant allele.

Literature cited by the submitters: PubMed 17576681 (cited by Labcorp Genetics (formerly Invitae), Labcorp); PubMed 9536098 (cited by Labcorp Genetics (formerly Invitae), Labcorp).

NM_019892.6(INPP5E):c.1665G>A (p.Thr555=)

Gene: INPP5E (inositol polyphosphate-5-phosphatase E; minus strand). Cytogenetic location: 9q34.3.
Variant type: single nucleotide variant.
Coding change: c.1665G>A on transcript NM_019892.6 (MANE Select); coding-DNA position 1665, G replaced by A.
Protein change: p.Thr555=; no amino-acid change (threonine 555 retained).
Molecular consequence: synonymous variant.
Genome position (GRCh38, 1-based): chr9:136,431,002, C>T on the plus strand (G>A on the coding strand, the complement: INPP5E is on the minus strand). VCF-style: chr9-136431002-C-T. GRCh37 (hg19) VCF-style: chr9-139325454-C-T.
Other names: c.1665G>A (NM_019892.4); c.1662G>A, p.Thr554= (NM_001318502.2).
Identifiers: ClinVar variation 810475 (VCV000810475.52), dbSNP rs774331779, ClinGen allele CA5336703.